The following is an entry in ClinVar:

NM_001098511.3(KIF2A):c.70A>G (p.Ile24Val)

Gene: KIF2A (kinesin family member 2A; plus strand). Cytogenetic location: 5q12.1.
Variant type: single nucleotide variant.
Coding change: c.70A>G on transcript NM_001098511.3 (MANE Select); coding-DNA position 70, A replaced by G.
Protein change: p.Ile24Val; replaces isoleucine 24 with valine.
Molecular consequence: missense variant. On other transcripts: 5 prime UTR variant (1).
Genome position (GRCh38, 1-based): chr5:62,347,135, A>G. VCF-style: chr5-62347135-A-G. GRCh37 (hg19) VCF-style: chr5-61642962-A-G.
Other names: c.-12A>G (NM_001243952.2); c.70A>G, p.Ile24Val (NM_001243953.2, NM_004520.5); short protein forms I24V.
Identifiers: ClinVar variation 3669193 (VCV003669193.2).

ClinVar aggregate classification (germline): Uncertain significance (1 of 4 stars; one submission).

Submission:

Labcorp Genetics (formerly Invitae), Labcorp
Classification: Uncertain significance. Last evaluated: 2024-04-30. Review status: criteria provided, single submitter. Criteria: Invitae Variant Classification Sherloc (09022015). Collection method: clinical testing. Allele origin: germline.
Comment: This sequence change replaces isoleucine, which is neutral and non-polar, with valine, which is neutral and non-polar, at codon 24 of the KIF2A protein (p.Ile24Val). This variant is not present in population databases (gnomAD no frequency). This variant has not been reported in the literature in individuals affected with KIF2A-related conditions. An algorithm developed to predict the effect of missense changes on protein structure and function (PolyPhen-2) suggests that this variant is likely to be disruptive. In summary, the available evidence is currently insufficient to determine the role of this variant in disease. Therefore, it has been classified as a Variant of Uncertain Significance.